The following is an entry in ClinVar:

ClinVar aggregate classification (germline): Uncertain significance (1 of 4 stars; one submission).

Conditions:
Mucopolysaccharidosis, MPS-II (MPS2). Also called: Mucopolysaccharidosis type 2; IDS deficiency; Sulfoiduronate sulfatase deficiency; SIDS deficiency; Mucopolysaccharidosis with skin involvement; Attenuated MPS (subtype; formerly known as mild MPS II). Identifiers: Orphanet 580, Orphanet 79388, MedGen C0026705, MONDO:0010674, OMIM 309900.

Submission:

Labcorp Genetics (formerly Invitae), Labcorp
Classification: Uncertain significance for Mucopolysaccharidosis, MPS-II. Last evaluated: 2020-12-08. Review status: criteria provided, single submitter. Criteria: Invitae Variant Classification Sherloc (09022015). Collection method: clinical testing. Allele origin: germline.
Comment: In summary, the available evidence is currently insufficient to determine the role of this variant in disease. Therefore, it has been classified as a Variant of Uncertain Significance. Advanced modeling of protein sequence and biophysical properties (such as structural, functional, and spatial information, amino acid conservation, physicochemical variation, residue mobility, and thermodynamic stability) performed at Invitae indicates that this missense variant is expected to disrupt IDS protein function. This variant has not been reported in the literature in individuals with IDS-related conditions. This variant is not present in population databases (ExAC no frequency). This sequence change replaces phenylalanine with valine at codon 116 of the IDS protein (p.Phe116Val). The phenylalanine residue is moderately conserved and there is a small physicochemical difference between phenylalanine and valine.

NM_000202.8(IDS):c.346T>G (p.Phe116Val)

Gene: IDS (iduronate 2-sulfatase; minus strand). Cytogenetic location: Xq28.
Variant type: single nucleotide variant.
Coding change: c.346T>G on transcript NM_000202.8 (MANE Select); coding-DNA position 346, T replaced by G.
Protein change: p.Phe116Val; replaces phenylalanine 116 with valine.
Molecular consequence: missense variant. On other transcripts: non-coding transcript variant (1).
Genome position (GRCh38, 1-based): chrX:149,503,384, A>C on the plus strand (T>G on the coding strand, the complement: IDS is on the minus strand). VCF-style: chrX-149503384-A-C. GRCh37 (hg19) VCF-style: chrX-148584914-A-C.
Other names: c.76T>G, p.Phe26Val (NM_001166550.4); c.346T>G, p.Phe116Val (NM_006123.5); short protein forms F116V, F26V.
Identifiers: ClinVar variation 1521407 (VCV001521407.8), dbSNP rs2124063192, ClinGen allele CA414526142.